The following is an entry in ClinVar:

NM_152783.5(D2HGDH):c.1495C>G (p.Gln499Glu)

Gene: D2HGDH (D-2-hydroxyglutarate dehydrogenase; plus strand). Cytogenetic location: 2q37.3.
Variant type: single nucleotide variant.
Coding change: c.1495C>G on transcript NM_152783.5 (MANE Select); coding-DNA position 1495, C replaced by G.
Protein change: p.Gln499Glu; replaces glutamine 499 with glutamic acid.
Molecular consequence: missense variant. On other transcripts: non-coding transcript variant (1).
Genome position (GRCh38, 1-based): chr2:241,767,898, C>G. VCF-style: chr2-241767898-C-G. GRCh37 (hg19) VCF-style: chr2-242707313-C-G.
Other names: c.1093C>G, p.Gln365Glu (NM_001287249.2); c.934C>G, p.Gln312Glu (NM_001352824.2); short protein forms Q312E, Q365E, Q499E.
Identifiers: ClinVar variation 2085855 (VCV002085855.4), dbSNP rs2549990621, ClinGen allele CA351413744.

ClinVar aggregate classification (germline): Uncertain significance (1 of 4 stars; one submission).

Conditions:
D-2-hydroxyglutaric aciduria 1 (D2HGA1). Identifiers: Orphanet 79315, MedGen C3152055, MONDO:0024554, OMIM 600721.

Allele frequency attached by ClinVar (database versions not stated): gnomAD exomes below 0.00001.
gnomAD v4.1: 1 of 1,605,630 alleles (0.000062%); highest among the groups gnomAD compares: Non-Finnish European, 0.000085%; no homozygotes.

Submission:

Labcorp Genetics (formerly Invitae), Labcorp
Classification: Uncertain significance for D-2-hydroxyglutaric aciduria 1. Last evaluated: 2022-01-16. Review status: criteria provided, single submitter. Criteria: Invitae Variant Classification Sherloc (09022015). Collection method: clinical testing. Allele origin: germline.
Comment: This sequence change replaces glutamine, which is neutral and polar, with glutamic acid, which is acidic and polar, at codon 499 of the D2HGDH protein (p.Gln499Glu). This variant is not present in population databases (gnomAD no frequency). This variant has not been reported in the literature in individuals affected with D2HGDH-related conditions. Algorithms developed to predict the effect of missense changes on protein structure and function (SIFT, PolyPhen-2, Align-GVGD) all suggest that this variant is likely to be tolerated. In summary, the available evidence is currently insufficient to determine the role of this variant in disease. Therefore, it has been classified as a Variant of Uncertain Significance.